The following is an entry in ClinVar:

NM_000384.3(APOB):c.4819G>A (p.Glu1607Lys)

Gene: APOB (apolipoprotein B; minus strand). Cytogenetic location: 2p24.1.
Variant type: single nucleotide variant.
Coding change: c.4819G>A on transcript NM_000384.3 (MANE Select); coding-DNA position 4819, G replaced by A.
Protein change: p.Glu1607Lys; replaces glutamic acid 1607 with lysine.
Molecular consequence: missense variant.
Genome position (GRCh38, 1-based): chr2:21,012,049, C>T on the plus strand (G>A on the coding strand, the complement: APOB is on the minus strand). VCF-style: chr2-21012049-C-T. GRCh37 (hg19) VCF-style: chr2-21234921-C-T.
Other names: short protein forms E1607K.
Identifiers: ClinVar variation 922743 (VCV000922743.9), dbSNP rs149040065, ClinGen allele CA061303.

ClinVar aggregate classification (germline): Conflicting classifications of pathogenicity. Review status: criteria provided, conflicting classifications (1 of 4 stars). 2 submissions from 2 submitters: Uncertain significance (1); Likely benign (1). Last evaluated 2025-10-06.

Conditions:
Familial hypobetalipoproteinemia 1. Also called: Hypobetalipoproteinemia, normotriglyceridemic; Acanthocytosis with hypobetalipoproteinemia; APOB-Related Familial Hypobetalipoproteinemia. Identifiers: MedGen C4551990, MONDO:0014252, OMIM 615558.
Hypercholesterolemia, autosomal dominant, type B (FHCL2). Also called: Familial Hypercholesterolemia Type B; HYPERCHOLESTEROLEMIA, FAMILIAL, DUE TO LIGAND-DEFECTIVE APOLIPOPROTEIN B; Familial hypercholesterolemia 2; APOB-Related Familial Hypercholesterolemia, Autosomal Dominant; APOLIPOPROTEIN B-100, FAMILIAL DEFECTIVE; APOLIPOPROTEIN B-100, FAMILIAL LIGAND-DEFECTIVE. Identifiers: MedGen C1704417, MONDO:0007751, OMIM 144010.
Cardiovascular phenotype. Identifiers: MedGen CN230736.

Allele frequency attached by ClinVar (database versions not stated): gnomAD exomes below 0.00001; ExAC 0.00002; TOPMed 0.00002; gnomAD 0.00004 and 0.00005; ESP Exome Variant Server 0.00008.
gnomAD v4.1: 11 of 1,614,028 alleles (0.00068%); highest among the groups gnomAD compares: Middle Eastern, 0.033%; no homozygotes.

Submissions (2):

Labcorp Genetics (formerly Invitae), Labcorp
Classification: Uncertain significance for Familial hypobetalipoproteinemia 1; Hypercholesterolemia, autosomal dominant, type B. Last evaluated: 2025-10-06. Review status: criteria provided, single submitter. Criteria: Invitae Variant Classification Sherloc (09022015). Collection method: clinical testing. Allele origin: germline.
Comment: This sequence change replaces glutamic acid, which is acidic and polar, with lysine, which is basic and polar, at codon 1607 of the APOB protein (p.Glu1607Lys). This variant is present in population databases (rs149040065, gnomAD 0.007%). This missense change has been observed in individual(s) with clinical features of autosomal dominant APOB-related conditions (internal data). ClinVar contains an entry for this variant (Variation ID: 922743). Invitae Evidence Modeling of protein sequence and biophysical properties (such as structural, functional, and spatial information, amino acid conservation, physicochemical variation, residue mobility, and thermodynamic stability) indicates that this missense variant is not expected to disrupt APOB protein function with a negative predictive value of 95%. In summary, the available evidence is currently insufficient to determine the role of this variant in disease. Therefore, it has been classified as a Variant of Uncertain Significance.

Ambry Genetics
Classification: Likely benign for Cardiovascular phenotype. Last evaluated: 2025-07-29. Review status: criteria provided, single submitter. Criteria: Ambry Variant Classification Scheme 2023. Collection method: clinical testing. Allele origin: germline.